The following is an entry in ClinVar:

ClinVar aggregate classification (germline): Pathogenic (1 of 4 stars; one submission).

Conditions:
Cornelia de Lange syndrome 1 (CDLS1). Also called: TYPUS DEGENERATIVUS AMSTELODAMENSIS; Brachmann de Lange syndrome; NIPBL-Related Cornelia de Lange Syndrome. Identifiers: Orphanet 199, MedGen C4551851, MONDO:0007387, OMIM 122470.

Submission:

Labcorp Genetics (formerly Invitae), Labcorp
Classification: Pathogenic for Cornelia de Lange syndrome 1. Last evaluated: 2017-08-13. Review status: criteria provided, single submitter. Criteria: Invitae Variant Classification Sherloc (09022015). Collection method: clinical testing. Allele origin: germline.
Comment: For these reasons, this variant has been classified as Pathogenic. Loss-of-function variants in NIPBL are known to be pathogenic (PMID: 24038889). This variant has not been reported in the literature in individuals with NIPBL-related disease. This variant is not present in population databases (ExAC no frequency). This sequence change creates a premature translational stop signal (p.Ser2568Leufs*13) in the NIPBL gene. It is expected to result in an absent or disrupted protein product.

Literature cited by the submitters: PubMed 24038889.

NM_133433.4(NIPBL):c.7702del (p.Ser2568fs)

Gene: NIPBL (NIPBL cohesin loading factor; plus strand). Cytogenetic location: 5p13.2.
Variant type: Deletion.
Coding change: c.7702del on transcript NM_133433.4 (MANE Select); coding-DNA position 7702, one base deleted (T; older notation c.7702delT).
Protein change: p.Ser2568fs; shifts the reading frame from serine 2568.
Molecular consequence: frameshift variant.
Genome position (GRCh38, 1-based): chr5:37,060,860, T deleted. VCF-style (leftmost placement, unchanged base first): chr5-37060859-CT-C. GRCh37 (hg19) VCF-style: chr5-37060961-CT-C.
Other names: c.7702del, p.Ser2568fs (NM_015384.5); short protein forms S2568fs.
Identifiers: ClinVar variation 543047 (VCV000543047.6), dbSNP rs1554035266, ClinGen allele CA658796520.